The following is an entry in ClinVar:

NM_001003694.2(BRPF1):c.2205_2216del (p.Arg739_Ala742del)

Gene: BRPF1 (bromodomain and PHD finger containing 1; plus strand). Cytogenetic location: 3p25.3.
Variant type: Deletion.
Coding change: c.2205_2216del on transcript NM_001003694.2 (MANE Select); coding-DNA positions 2205 to 2216, 12 bases deleted (CCGCCAGGCCCG).
Protein change: p.Arg739_Ala742del.
Molecular consequence: inframe deletion. On other transcripts: non-coding transcript variant (1).
Genome position (GRCh38, 1-based): chr3:9,743,147-9,743,158, CCGCCAGGCCCG deleted. VCF-style (leftmost placement, unchanged base first): chr3-9743146-TCCGCCAGGCCCG-T. GRCh37 (hg19) VCF-style: chr3-9784830-TCCGCCAGGCCCG-T.
Other names: c.2187_2198del, p.Arg733_Ala736del (NM_001319049.2, NM_001319050.2, NM_004634.3); c.2205_2216del, p.Arg739_Ala742del (NM_001410704.1); c.2205_2216del12 (NM_001003694.1); c.2205_2216del (NM_001003694.1).
Identifiers: ClinVar variation 2630810 (VCV002630810.4), dbSNP rs2471497578, ClinGen allele CA2695197729.
Genomic context (GRCh38, chr3:9,743,146, plus strand): 5'-CCAAGGACACCATCTTCTACCGGGCAGCAGTGCGGCTTCGTGAGCAGGGTGGTGCTGTGC[TCCGCCAGGCCCG>T]GCGCCAGGCAGAAAAAATGGGCATTGACTTTGAGACGGGCATGCATATCCCCCACAGCCT-3'

ClinVar aggregate classification (germline): Uncertain significance. Review status: criteria provided, multiple submitters, no conflicts (2 of 4 stars). 2 submissions from 2 submitters: Uncertain significance (2). Last evaluated 2026-07-08.

Conditions:
BRPF1-related disorder. Also called: BRPF1-related condition.

Submissions (2):

GeneDx
Classification: Uncertain significance. Last evaluated: 2026-07-08. Review status: criteria provided, single submitter. Criteria: GeneDx Variant Classification Process June 2021. Collection method: clinical testing. Allele origin: germline.
Comment: In-frame deletion of 4 amino acid(s) in a non-repeat region; Not observed at significant frequency in large population cohorts (gnomAD); In silico analysis supports a deleterious effect on protein structure/function; Has not been previously published as pathogenic or benign to our knowledge

PreventionGenetics, part of Exact Sciences
Classification: Uncertain significance for BRPF1-related condition. Last evaluated: 2026-01-16. Review status: criteria provided, single submitter. Criteria: ACMG Guidelines, 2015. Collection method: clinical testing. Allele origin: germline.
Comment: The BRPF1 c.2205_2216del12 variant is predicted to result in an in-frame deletion (p.Arg739_Ala742del). To our knowledge, this variant has not been reported in the literature or in a large population database, indicating this variant is rare. At this time, the clinical significance of this variant is uncertain due to the absence of conclusive functional and genetic evidence.